The following is an entry in ClinVar:

NM_007294.4(BRCA1):c.5332+13G>C

Gene: BRCA1 (BRCA1 DNA repair associated; minus strand). Cytogenetic location: 17q21.31.
Variant type: single nucleotide variant.
Coding change: c.5332+13G>C on transcript NM_007294.4 (MANE Select); 13 bases into the intron after coding-DNA position 5332, G replaced by C.
Molecular consequence: intron variant.
Genome position (GRCh38, 1-based): chr17:43,051,050, C>G on the plus strand (G>C on the coding strand, the complement: BRCA1 is on the minus strand). VCF-style: chr17-43051050-C-G. GRCh37 (hg19) VCF-style: chr17-41203067-C-G.
Other names: c.5068+13G>C (NM_001407920.1, NM_001407923.1, NM_001407922.1 and 4 more transcripts); c.5191+13G>C (NM_001407696.1, NM_001407725.1, NM_001407727.1 and 13 more transcripts); c.5188+13G>C (NM_001407751.1, NM_001407740.1, NM_001407739.1 and 21 more transcripts); c.4996+13G>C (NM_001407954.1, NM_001407952.1, NM_001407950.1 and 3 more transcripts); c.1756+13G>C (NM_001408504.1, NM_001408503.1, NM_001408502.1); c.1879+13G>C (NM_001408463.1, NM_001408462.1, NM_001408458.1 and 7 more transcripts); c.5185+13G>C (NM_001407847.1, NM_001407841.1, NM_001407838.1 and 12 more transcripts); c.1759+13G>C (NM_001408499.1, NM_001408498.1, NM_001408501.1 and 3 more transcripts); and 74 more.
Identifiers: ClinVar variation 631278 (VCV000631278.7), dbSNP rs372391060, ClinGen allele CA913187789.

ClinVar aggregate classification (germline): Likely benign. Review status: criteria provided, multiple submitters, no conflicts (2 of 4 stars). 2 submissions from 2 submitters: Likely benign (2). Last evaluated 2024-09-03.

Conditions:
Hereditary breast ovarian cancer syndrome. Also called: Hereditary breast and ovarian cancer syndrome (HBOC); Hereditary breast and ovarian cancer; BRCA1- and BRCA2-Associated Hereditary Breast and Ovarian Cancer; Breast and ovarian cancer; Hereditary breast and ovarian cancer syndrome; Hereditary breast and/or ovarian cancer syndrome. Identifiers: Orphanet 145, MedGen C0677776, MeSH D061325, MONDO:0003582. Disease mechanism: loss of function.
Hereditary cancer-predisposing syndrome. Also called: Hereditary neoplastic syndrome; Tumor predisposition; Hereditary Cancer Syndrome; Neoplastic Syndromes, Hereditary. Identifiers: Orphanet 140162, MedGen C0027672, MeSH D009386, MONDO:0015356.

Submissions (3):

Labcorp Genetics (formerly Invitae), Labcorp
Classification: Likely benign for Hereditary breast ovarian cancer syndrome. Last evaluated: 2024-09-03. Review status: criteria provided, single submitter. Criteria: Invitae Variant Classification Sherloc (09022015). Collection method: clinical testing. Allele origin: germline.

Color Diagnostics, LLC DBA Color Health
Classification: Likely benign for Hereditary cancer-predisposing syndrome. Last evaluated: 2018-02-07. Review status: criteria provided, single submitter. Criteria: ACMG Guidelines, 2015. Collection method: clinical testing. Allele origin: germline.

Brotman Baty Institute, University of Washington
No classification provided (evidence only). Condition: Breast-ovarian cancer, familial 1. Review status: no classification provided. Collection method: in vitro. Allele origin: not applicable. Functional consequence: function_uncertain_variant. Not counted in ClinVar's aggregate classification.
ClinVar note: "not provided" was previously submitted as the classification for the variant. However, the classification appeared to be based only on an observation of functional data so it was converted to no classification on 2025-07-30.